The following is an entry in ClinVar:

NM_001457.4(FLNB):c.1588G>T (p.Gly530Trp)

Gene: FLNB (filamin B; plus strand). Cytogenetic location: 3p14.3.
Variant type: single nucleotide variant.
Coding change: c.1588G>T on transcript NM_001457.4 (MANE Select); coding-DNA position 1588, G replaced by T.
Protein change: p.Gly530Trp; replaces glycine 530 with tryptophan.
Molecular consequence: missense variant.
Genome position (GRCh38, 1-based): chr3:58,104,063, G>T. VCF-style: chr3-58104063-G-T. GRCh37 (hg19) VCF-style: chr3-58089790-G-T.
Other names: c.1588G>T, p.Gly530Trp (NM_001164317.2, NM_001164318.2, NM_001164319.2); short protein forms G530W.
Identifiers: ClinVar variation 372367 (VCV000372367.12), dbSNP rs773943113, ClinGen allele CA2467856.

ClinVar aggregate classification (germline): Conflicting classifications of pathogenicity. Review status: criteria provided, conflicting classifications (1 of 4 stars). 4 submissions from 4 submitters: Uncertain significance (3); Likely benign (1). Last evaluated 2026-01-04.

Conditions:
Inborn genetic diseases. Identifiers: MedGen C0950123, MeSH D030342.
Boomerang dysplasia. Identifiers: Orphanet 1263, MedGen C0432201, MONDO:0007208, OMIM 112310.
Spondylocarpotarsal synostosis syndrome (SCT). Also called: SPONDYLOCARPOTARSAL SYNDROME; VERTEBRAL FUSION WITH CARPAL COALITION; Synspondylism congenital; Scoliosis, congenital with unilateral unsegmented bar; Spondylocarpotarsal Synostosis Syndrome (FLNB-SCT). Identifiers: Orphanet 3275, MedGen C1848934, MONDO:0010094, OMIM 272460.
Atelosteogenesis type III. Also called: Atelosteogenesis Type 3 (FLNB-AO3). Identifiers: Orphanet 56305, MedGen C3668942, MONDO:0007168, OMIM 108721.
Atelosteogenesis type I. Also called: GIANT CELL CHONDRODYSPLASIA; SPONDYLOHUMEROFEMORAL HYPOPLASIA; Atelosteogenesis Type 1 (FLNB-AO1). Identifiers: Orphanet 1190, MedGen C0265283, MONDO:0007167, OMIM 108720.
Larsen syndrome (LRS). Also called: Bilateral dislocation of the knees, pes cavus, cylindrically shaped fingers and characteristic facies; Larsen syndrome (FLNB-LS). Identifiers: Orphanet 503, MedGen C0175778, MONDO:0007875, OMIM 150250. Disease mechanism: loss of function.

Allele frequency attached by ClinVar (database versions not stated): TOPMed 0.00015; gnomAD 0.00022.
gnomAD v4.1: 290 of 1,613,864 alleles (0.018%); highest among the groups gnomAD compares: Middle Eastern, 0.034%; no homozygotes.

Submissions (5):

Labcorp Genetics (formerly Invitae), Labcorp
Classification: Likely benign. Last evaluated: 2026-01-04. Review status: criteria provided, single submitter. Criteria: Invitae Variant Classification Sherloc (09022015). Collection method: clinical testing. Allele origin: germline.

Ambry Genetics
Classification: Uncertain significance for Inborn genetic diseases. Last evaluated: 2025-08-01. Review status: criteria provided, single submitter. Criteria: Ambry Variant Classification Scheme 2023. Collection method: clinical testing. Allele origin: germline.

Fulgent Genetics
Classification: Uncertain significance for Atelosteogenesis type I; Atelosteogenesis type III; Boomerang dysplasia; Larsen syndrome; Spondylocarpotarsal synostosis syndrome. Last evaluated: 2021-09-10. Review status: criteria provided, single submitter. Criteria: ACMG Guidelines, 2015. Collection method: clinical testing. Allele origin: unknown.

GeneDx
Classification: Uncertain significance. Last evaluated: 2017-04-25. Review status: criteria provided, single submitter. Criteria: GeneDx Variant Classification (06012015). Collection method: clinical testing. Allele origin: germline. Affected: yes.
Comment: The G530W variant in the FLNB gene has not been reported previously as a pathogenic variant, nor as a benign variant, to our knowledge. The G530W variant was not observed in approximately 6,500 individuals of European and African American ancestry in the NHLBI Exome Sequencing Project, indicating it is not a common benign variant in these populations. The G530W variant is a semi-conservative amino acid substitution, which may impact secondary protein structure as these residues differ in some properties. This substitution occurs at a position that is conserved across species. In silico analysis predicts this variant is probably damaging to the protein structure/function. We interpret G530W as a variant of uncertain significance.

Dr. Peter K. Rogan Lab, Western University
No classification provided (evidence only). Condition: Cervical cancer. Review status: no classification provided. Collection method: in vitro. Allele origin: not applicable. Functional consequence: retained intron. Not counted in ClinVar's aggregate classification.